The following is an entry in ClinVar:

NM_013275.6(ANKRD11):c.6374C>T (p.Ala2125Val)

Gene: ANKRD11 (ankyrin repeat domain 11; minus strand). Cytogenetic location: 16q24.3.
Variant type: single nucleotide variant.
Coding change: c.6374C>T on transcript NM_013275.6 (MANE Select); coding-DNA position 6374, C replaced by T.
Protein change: p.Ala2125Val; replaces alanine 2125 with valine.
Molecular consequence: missense variant.
Genome position (GRCh38, 1-based): chr16:89,280,168, G>A on the plus strand (C>T on the coding strand, the complement: ANKRD11 is on the minus strand). VCF-style: chr16-89280168-G-A. GRCh37 (hg19) VCF-style: chr16-89346576-G-A.
Other names: c.6374C>T, p.Ala2125Val (NM_001256182.2, NM_001256183.2); short protein forms A2125V.
Identifiers: ClinVar variation 3296296 (VCV003296296.3).

ClinVar aggregate classification (germline): Uncertain significance. Review status: criteria provided, multiple submitters, no conflicts (2 of 4 stars). 2 submissions from 2 submitters: Uncertain significance (2). Last evaluated 2024-03-30.

Conditions:
Inborn genetic diseases. Identifiers: MedGen C0950123, MeSH D030342.
KBG syndrome (KBGS). Also called: ANKRD11-Related KBG Syndrome. Identifiers: Orphanet 2332, MedGen C0220687, MONDO:0007846, OMIM 148050.

gnomAD v4.1: 2 of 1,609,678 alleles (0.00012%); highest among the groups gnomAD compares: Admixed American, 0.0017%; no homozygotes.

Submissions (2):

Ambry Genetics
Classification: Uncertain significance for Inborn genetic diseases. Last evaluated: 2024-03-30. Review status: criteria provided, single submitter. Criteria: Ambry Variant Classification Scheme 2023. Collection method: clinical testing. Allele origin: germline.

Labcorp Genetics (formerly Invitae), Labcorp
Classification: Uncertain significance for KBG syndrome. Last evaluated: 2024-03-26. Review status: criteria provided, single submitter. Criteria: Invitae Variant Classification Sherloc (09022015). Collection method: clinical testing. Allele origin: germline.
Comment: This sequence change replaces alanine, which is neutral and non-polar, with valine, which is neutral and non-polar, at codon 2125 of the ANKRD11 protein (p.Ala2125Val). This variant is present in population databases (rs753162681, gnomAD 0.003%). This variant has not been reported in the literature in individuals affected with ANKRD11-related conditions. Advanced modeling of protein sequence and biophysical properties (such as structural, functional, and spatial information, amino acid conservation, physicochemical variation, residue mobility, and thermodynamic stability) performed at Invitae indicates that this missense variant is not expected to disrupt ANKRD11 protein function with a negative predictive value of 95%. In summary, the available evidence is currently insufficient to determine the role of this variant in disease. Therefore, it has been classified as a Variant of Uncertain Significance.